The following is an entry in ClinVar:

ClinVar aggregate classification (germline): Pathogenic (1 of 4 stars; one submission).

Submission:

Labcorp Genetics (formerly Invitae), Labcorp
Classification: Pathogenic. Last evaluated: 2023-08-04. Review status: criteria provided, single submitter. Criteria: Invitae Variant Classification Sherloc (09022015). Collection method: clinical testing. Allele origin: unknown.
Comment: This variant is a gross deletion of the genomic region encompassing exon(s) 4 of the SETBP1 gene. This deletion is out-of-frame, and is expected to create a premature termination codon and result in an absent or disrupted protein product. Loss-of-function variants in SETBP1 are known to be pathogenic (PMID: 21037274, 25217958). This variant has not been reported in the literature in individuals affected with SETBP1-related conditions. For these reasons, this variant has been classified as Pathogenic.

Literature cited by the submitters: PubMed 21037274; PubMed 25217958.

NC_000018.9:g.(?_42529826)_(42533325_?)del

Gene: SETBP1 (SET binding protein 1; plus strand). Cytogenetic location: 18q12.3.
Variant type: Deletion.
Identifiers: ClinVar variation 3242805 (VCV003242805.1).